The following is an entry in ClinVar:

ClinVar aggregate classification (germline): Uncertain significance. Review status: criteria provided, multiple submitters, no conflicts (2 of 4 stars). 2 submissions from 2 submitters: Uncertain significance (2). Last evaluated 2025-04-11.

Conditions:
Frasier syndrome. Identifiers: Orphanet 347, MedGen C0950122, MeSH D052159, MONDO:0007635, OMIM 136680.
Wilms tumor 1 (WT1). Also called: Wilms tumor, somatic. Identifiers: Orphanet 654, MedGen CN033288, MONDO:0008679, OMIM 194070.
11p partial monosomy syndrome (WAGR). Also called: CHROMOSOME 11p13 DELETION SYNDROME; WAGR syndrome; WAGR Complex; WAGR Spectrum Disorder. Identifiers: Orphanet 893, MedGen C0206115, MONDO:0008681, OMIM 194072.
Drash syndrome (DDS). Also called: NEPHROPATHY, WILMS TUMOR, AND GENITAL ANOMALIES; WILMS TUMOR AND PSEUDO- OR TRUE HERMAPHRODITISM. Identifiers: Orphanet 220, MedGen C0950121, MONDO:0008682, OMIM 194080.
Inborn genetic diseases. Identifiers: MedGen C0950123, MeSH D030342.

gnomAD v4.1: 1 of 1,513,794 alleles (0.000066%); highest among the groups gnomAD compares: Non-Finnish European, 0.000088%; no homozygotes.

Submissions (2):

Ambry Genetics
Classification: Uncertain significance for Inborn genetic diseases. Last evaluated: 2025-04-11. Review status: criteria provided, single submitter. Criteria: Ambry Variant Classification Scheme 2023. Collection method: clinical testing. Allele origin: germline.
Comment: The p.G121C variant (also known as c.361G>T), located in coding exon 1 of the WT1 gene, results from a G to T substitution at nucleotide position 361. The glycine at codon 121 is replaced by cysteine, an amino acid with highly dissimilar properties. This amino acid position is conserved. In addition, this alteration is predicted to be tolerated by in silico analysis. Based on the available evidence, the clinical significance of this variant remains unclear.

Labcorp Genetics (formerly Invitae), Labcorp
Classification: Uncertain significance for Wilms tumor 1; Drash syndrome; 11p partial monosomy syndrome; Frasier syndrome. Last evaluated: 2023-02-14. Review status: criteria provided, single submitter. Criteria: Invitae Variant Classification Sherloc (09022015). Collection method: clinical testing. Allele origin: germline.
Comment: This sequence change replaces glycine, which is neutral and non-polar, with cysteine, which is neutral and slightly polar, at codon 121 of the WT1 protein (p.Gly121Cys). This variant is not present in population databases (gnomAD no frequency). This variant has not been reported in the literature in individuals affected with WT1-related conditions. ClinVar contains an entry for this variant (Variation ID: 1434347). Algorithms developed to predict the effect of missense changes on protein structure and function are either unavailable or do not agree on the potential impact of this missense change (SIFT: "Deleterious"; PolyPhen-2: "Probably Damaging"; Align-GVGD: "Class C0"). In summary, the available evidence is currently insufficient to determine the role of this variant in disease. Therefore, it has been classified as a Variant of Uncertain Significance.

NM_024426.6(WT1):c.376G>T (p.Gly126Cys)

Genes: WT1 (WT1 transcription factor; minus strand), LOC107982234 (WT1/WT1-AS bi-directional promoter region; plus strand). Cytogenetic location: 11p13.
Variant type: single nucleotide variant.
Coding change: c.376G>T on transcript NM_024426.6 (MANE Select); coding-DNA position 376, G replaced by T.
Protein change: p.Gly126Cys; replaces glycine 126 with cysteine.
Molecular consequence: missense variant. On other transcripts: non-coding transcript variant (1).
Genome position (GRCh38, 1-based): chr11:32,434,985, C>A on the plus strand (G>T on the coding strand, the complement: WT1 is on the minus strand). VCF-style: chr11-32434985-C-A. GRCh37 (hg19) VCF-style: chr11-32456531-C-A.
Other names: c.376G>T, p.Gly126Cys (NM_000378.6, NM_024424.5); c.361G>T (NM_024426.4); short protein forms G126C.
Identifiers: ClinVar variation 1434347 (VCV001434347.7), dbSNP rs1853454814, ClinGen allele CA379965819.
Genomic context (GRCh38, chr11:32,434,985, plus strand): 5'-TGATGAAGGAGTGAGGCGGCGGCGGCGGGGGTGGCGGCGGAGCCGGTGGCGGCGCGGGGC[C>A]GCCCAACGACCCGTAAGCCGAAGCGCCCGGGGGCGCAAAGTCCAGCACCGGCGCCCACTG-3'
Protein context (NP_077744.4, residues 116-136): PGASAYGSLG[Gly126Cys]PAPPPAPPPP